The following is an entry in ClinVar:

GRCh38/hg38 22q11.21(chr22:18339130-21444466)x3

Genes: AIFM3 (AIF family member 3; plus strand), ARVCF (ARVCF delta catenin family member; minus strand), C22orf39 (chromosome 22 open reading frame 39; minus strand), CCDC188 (coiled-coil domain containing 188; minus strand), CDC45 (cell division cycle 45; plus strand) and 195 more. Cytogenetic location: 22q11.21.
Variant type: copy number gain.
Change: copy number 3 (three copies instead of two) of chr22:18,339,130-21,444,466 (3.11 Mb, GRCh38 coordinates, 1-based), cytogenetic band 22q11.21.
Identifiers: ClinVar variation 58192 (VCV000058192.1).

ClinVar aggregate classification (germline): Pathogenic (1 of 4 stars; one submission).

Submission:

ISCA site 15
Classification: Pathogenic. Last evaluated: 2011-08-12. Review status: criteria provided, single submitter. Criteria: Kaminsky et al. (Genet Med. 2011). Collection method: clinical testing. Allele origin: unknown. Affected: yes. Observed: 1 variant allele.
Comment: Copy number variation identified through the course of routine clinical cytogenomic testing in postnatal populations. Clinical assertions have been curated as described in Kaminsky et al. 2011.